The following is an entry in ClinVar:

NM_002075.4(GNB3):c.852A>G (p.Leu284=)

Genes: CDCA3 (cell division cycle associated 3; minus strand), GNB3 (G protein subunit beta 3; plus strand). Cytogenetic location: 12p13.31.
Variant type: single nucleotide variant.
Coding change: c.852A>G on transcript NM_002075.4 (MANE Select); coding-DNA position 852, A replaced by G.
Protein change: p.Leu284=; no amino-acid change (leucine 284 retained).
Molecular consequence: synonymous variant. On other transcripts: 3 prime UTR variant (1).
Genome position (GRCh38, 1-based): chr12:6,845,738, A>G. VCF-style: chr12-6845738-A-G. GRCh37 (hg19) VCF-style: chr12-6954902-A-G.
Other names: c.849A>G, p.Leu283= (NM_001297571.2); c.*1050T>C (NM_001297603.3).
Identifiers: ClinVar variation 1167865 (VCV001167865.11), dbSNP rs782316014, ClinGen allele CA6417682.

ClinVar aggregate classification (germline): Benign/Likely benign. Review status: criteria provided, multiple submitters, no conflicts (2 of 4 stars). 3 submissions from 3 submitters: Benign (1); Likely benign (2). Last evaluated 2026-07-22.

Conditions:
GNB3-related condition.

Allele frequency attached by ClinVar (database versions not stated): 1000 Genomes Project 0.00100; 1000 Genomes Project 30x 0.00078; gnomAD 0.00014; ExAC 0.00040.
gnomAD v4.1: 265 of 1,614,066 alleles (0.016%); highest among the groups gnomAD compares: South Asian, 0.28%; 4 homozygotes.

Submissions (3):

PreventionGenetics, part of Exact Sciences
Classification: Likely benign for GNB3-related condition. Last evaluated: 2026-07-22. Review status: criteria provided, single submitter. Criteria: ACMG Guidelines, 2015. Collection method: clinical testing. Allele origin: germline.
Comment: This variant is classified as likely benign based on ACMG/AMP sequence variant interpretation guidelines (Richards et al. 2015 PMID: 25741868, with internal and published modifications).

Labcorp Genetics (formerly Invitae), Labcorp
Classification: Benign. Last evaluated: 2024-07-24. Review status: criteria provided, single submitter. Criteria: Invitae Variant Classification Sherloc (09022015). Collection method: clinical testing. Allele origin: germline.

Blueprint Genetics
Classification: Likely benign. Last evaluated: 2024-05-08. Review status: criteria provided, single submitter. Criteria: ACMG Guidelines, 2015. Collection method: clinical testing. Allele origin: germline.